The following is an entry in ClinVar:

ClinVar aggregate classification (germline): Uncertain significance (1 of 4 stars; one submission).

Submission:

GeneDx
Classification: Uncertain significance. Last evaluated: 2025-05-06. Review status: criteria provided, single submitter. Criteria: GeneDx Variant Classification Process June 2021. Collection method: clinical testing. Allele origin: germline. Affected: yes.
Comment: Not observed at significant frequency in large population cohorts (gnomAD); In silico analysis supports that this missense variant has a deleterious effect on protein structure/function; Has not been previously published as pathogenic or benign to our knowledge

NM_001127222.2(CACNA1A):c.4152G>T (p.Met1384Ile)

Genes: CACNA1A (calcium voltage-gated channel subunit alpha1 A; minus strand), LOC126862864 (MED14-independent group 3 enhancer GRCh37_chr19:13371552-13372751; plus strand). Cytogenetic location: 19p13.13.
Variant type: single nucleotide variant.
Coding change: c.4152G>T on transcript NM_001127222.2 (MANE Select); coding-DNA position 4152, G replaced by T.
Protein change: p.Met1384Ile; replaces methionine 1384 with isoleucine.
Molecular consequence: missense variant.
Genome position (GRCh38, 1-based): chr19:13,261,548, C>A on the plus strand (G>T on the coding strand, the complement: CACNA1A is on the minus strand). VCF-style: chr19-13261548-C-A. GRCh37 (hg19) VCF-style: chr19-13372362-C-A.
Other names: c.4164G>T, p.Met1388Ile (NM_000068.4, NM_023035.3); c.4155G>T, p.Met1385Ile (NM_001127221.2, NM_001174080.2); short protein forms M1384I, M1385I, M1388I.
Identifiers: ClinVar variation 4528021 (VCV004528021.1).